The following is an entry in ClinVar:

ClinVar aggregate classification (germline): Likely pathogenic. Review status: criteria provided, multiple submitters, no conflicts (2 of 4 stars). 2 submissions from 2 submitters: Likely pathogenic (2). Last evaluated 2024-03-29.

Conditions:
Congenital afibrinogenemia. Identifiers: Orphanet 335, Orphanet 98880, MedGen C2584774, MONDO:0008737, OMIM 202400.
Familial visceral amyloidosis, Ostertag type (AMYLD2). Also called: Ostertag type amyloidosis; Amyloidosis, hepatic and systemic; Hereditary Renal Amyloidosis; AMYLOIDOSIS, HEREDITARY SYSTEMIC 2; AMYLOIDOSIS VIII; Familial visceral amyloidosis. Identifiers: Orphanet 85450, MedGen C0268389, MONDO:0007099, OMIM 105200.
Familial dysfibrinogenemia. Also called: Dysfibrinogenemia, congenital. Identifiers: Orphanet 335, Orphanet 98881, MedGen C0272350, MONDO:0014452, OMIM 616004.

Submissions (2):

Mayo Clinic Laboratories, Mayo Clinic
Classification: Likely pathogenic. Last evaluated: 2024-03-29. Review status: criteria provided, single submitter. Criteria: ACMG Guidelines, 2015. Collection method: clinical testing. Allele origin: germline.
Comment: PM2_moderate, PS4_moderate, PVS1_strong

Fulgent Genetics
Classification: Likely pathogenic for Familial visceral amyloidosis, Ostertag type; Congenital afibrinogenemia; Familial dysfibrinogenemia. Last evaluated: 2024-02-26. Review status: criteria provided, single submitter. Criteria: ACMG Guidelines, 2015. Collection method: clinical testing. Allele origin: germline.

Literature cited by the submitters: PubMed 16807657 (cited by Mayo Clinic Laboratories, Mayo Clinic); PubMed 25816717 (cited by Mayo Clinic Laboratories, Mayo Clinic).

NM_021871.4(FGA):c.1452del (p.Ser485fs)

Gene: FGA (fibrinogen alpha chain; minus strand). Cytogenetic location: 4q31.3.
Variant type: Deletion.
Coding change: c.1452del on transcript NM_021871.4 (MANE Select); coding-DNA position 1452, one base deleted (C; older notation c.1452delC).
Protein change: p.Ser485fs; shifts the reading frame from serine 485.
Molecular consequence: frameshift variant.
Genome position (GRCh38, 1-based): chr4:154,585,977, G deleted on the plus strand (C on the coding strand, the reverse complement: FGA is on the minus strand); the first of 2 consecutive G bases (chr4:154,585,977-154,585,978); deleting either gives the same sequence. VCF-style (leftmost placement, unchanged base first): chr4-154585976-AG-A. GRCh37 (hg19) VCF-style: chr4-155507128-AG-A.
Other names: p.Ser485Profs*13; c.1452del, p.Ser485fs (NM_000508.5); c.1451delC, p.Ser485Profs (NM_021871.2); short protein forms S485fs.
Identifiers: ClinVar variation 2683308 (VCV002683308.3), dbSNP rs2530820376, ClinGen allele CA2578217777.